The following is an entry in ClinVar:

NM_001384474.1(LOXHD1):c.3749-2A>G

Gene: LOXHD1 (lipoxygenase homology PLAT domains 1; minus strand). Cytogenetic location: 18q21.1.
Variant type: single nucleotide variant.
Coding change: c.3749-2A>G on transcript NM_001384474.1 (MANE Select); the canonical splice acceptor site of the intron before coding-DNA position 3749, A replaced by G.
Molecular consequence: splice acceptor variant.
Genome position (GRCh38, 1-based): chr18:46,541,942, T>C on the plus strand (A>G on the coding strand, the complement: LOXHD1 is on the minus strand). VCF-style: chr18-46541942-T-C. GRCh37 (hg19) VCF-style: chr18-44121905-T-C.
Other names: c.3749-2A>G (NM_144612.7); c.416-2A>G (NM_001145472.3); c.128-2A>G (NM_001308013.2).
Identifiers: ClinVar variation 3653868 (VCV003653868.2).
Genomic context (GRCh38, chr18:46,541,942, plus strand): 5'-CTTCCCAAGAGATGGGGCATCCACCTCTACCCAGTCTACAAACCAGCCTGGGGCCTTGCC[T>C]AGAGAGAGAGGAGACACAAAACCCATCAAGGACCTGAGCAGAGATGATTTCCTGTGGGTA-3'

ClinVar aggregate classification (germline): Likely pathogenic (1 of 4 stars; one submission).

Submission:

Labcorp Genetics (formerly Invitae), Labcorp
Classification: Likely pathogenic. Last evaluated: 2024-07-13. Review status: criteria provided, single submitter. Criteria: Invitae Variant Classification Sherloc (09022015). Collection method: clinical testing. Allele origin: germline.
Comment: This sequence change affects an acceptor splice site in intron 24 of the LOXHD1 gene. It is expected to disrupt RNA splicing. Variants that disrupt the donor or acceptor splice site typically lead to a loss of protein function (PMID: 16199547), and loss-of-function variants in LOXHD1 are known to be pathogenic (PMID: 19732867, 21465660, 25792669). This variant is not present in population databases (gnomAD no frequency). This variant has not been reported in the literature in individuals affected with LOXHD1-related conditions. Algorithms developed to predict the effect of sequence changes on RNA splicing suggest that this variant may disrupt the consensus splice site. In summary, the currently available evidence indicates that the variant is pathogenic, but additional data are needed to prove that conclusively. Therefore, this variant has been classified as Likely Pathogenic.

Literature cited by the submitters: PubMed 16199547; PubMed 19732867; PubMed 21465660; PubMed 25792669.